The following is an entry in ClinVar:

ClinVar aggregate classification (germline): Uncertain significance (1 of 4 stars; one submission).

Submission:

Dasa
Classification: Uncertain significance. Last evaluated: 2025-06-24. Review status: criteria provided, single submitter. Criteria: DASA Assertion Criteria. Collection method: clinical testing. Allele origin: germline.
Comment: NM_002576.5(PAK1):c.508G>A (p.Val170Met) is a missense variant that results in the substitution of valine with methionine. This variant is absent from population databases. Computational prediction algorithms are consistent with a benign effect. The currently available literature and clinical evidence are not sufficient to establish a definitive association between this variant and the reported condition. Therefore, this variant is classified as a variant of uncertain significance.

NM_002576.5(PAK1):c.508G>A (p.Val170Met)

Gene: PAK1 (p21 (RAC1) activated kinase 1; minus strand). Cytogenetic location: 11q13.5.
Variant type: single nucleotide variant.
Coding change: c.508G>A on transcript NM_002576.5 (MANE Select); coding-DNA position 508, G replaced by A.
Protein change: p.Val170Met; replaces valine 170 with methionine.
Molecular consequence: missense variant. On other transcripts: non-coding transcript variant (2).
Genome position (GRCh38, 1-based): chr11:77,358,987, C>T on the plus strand (G>A on the coding strand, the complement: PAK1 is on the minus strand). VCF-style: chr11-77358987-C-T. GRCh37 (hg19) VCF-style: chr11-77070032-C-T.
Other names: c.508G>A, p.Val170Met (NM_001128620.2, NM_001376268.1, NM_001376269.1 and 26 more transcripts); c.529G>A, p.Val177Met (NM_001376272.1); c.259G>A, p.Val87Met (NM_001376301.1); c.214G>A, p.Val72Met (NM_001376302.1, NM_001376304.1, NM_001376305.1); short protein forms V170M, V177M, V72M, V87M.
Identifiers: ClinVar variation 4882606 (VCV004882606.2).